The following is an entry in ClinVar:

ClinVar aggregate classification (germline): Likely benign. Review status: criteria provided, multiple submitters, no conflicts (2 of 4 stars). 3 submissions from 3 submitters: Likely benign (2). 1 of the submissions does not count toward it. Last evaluated 2026-01-13.

Conditions:
CIITA-related disorder. Also called: CIITA-related condition.
MHC class II deficiency. Also called: Bare lymphocyte syndrome 2; BLS, TYPE II. Identifiers: Orphanet 572, MedGen C5447452, MONDO:0008855.

Allele frequency attached by ClinVar (database versions not stated): gnomAD 0.00001; TOPMed 0.00001; gnomAD exomes 0.00002; ExAC 0.00003.
gnomAD v4.1: 14 of 1,614,102 alleles (0.00087%); highest among the groups gnomAD compares: Middle Eastern, 0.016%; no homozygotes.

Submissions (3):

Labcorp Genetics (formerly Invitae), Labcorp
Classification: Likely benign for MHC class II deficiency. Last evaluated: 2026-01-13. Review status: criteria provided, single submitter. Criteria: Invitae Variant Classification Sherloc (09022015). Collection method: clinical testing. Allele origin: germline.

Blueprint Genetics
Classification: Likely benign. Last evaluated: 2024-05-03. Review status: criteria provided, single submitter. Criteria: ACMG Guidelines, 2015. Collection method: clinical testing. Allele origin: germline.

PreventionGenetics, part of Exact Sciences
Classification: Likely benign for CIITA-related condition. Last evaluated: 2019-04-25. Review status: no assertion criteria provided. Collection method: clinical testing. Allele origin: germline. Not counted in ClinVar's aggregate classification.
Comment: This variant is classified as likely benign based on ACMG/AMP sequence variant interpretation guidelines (Richards et al. 2015 PMID: 25741868, with internal and published modifications).

NM_000246.4(CIITA):c.2751C>T (p.Ile917=)

Gene: CIITA (class II major histocompatibility complex transactivator; plus strand). Cytogenetic location: 16p13.13.
Variant type: single nucleotide variant.
Coding change: c.2751C>T on transcript NM_000246.4 (MANE Select); coding-DNA position 2751, C replaced by T.
Protein change: p.Ile917=; no amino-acid change (isoleucine 917 retained).
Molecular consequence: synonymous variant.
Genome position (GRCh38, 1-based): chr16:10,909,122, C>T. VCF-style: chr16-10909122-C-T. GRCh37 (hg19) VCF-style: chr16-11002979-C-T.
Other names: c.2754C>T, p.Ile918= (NM_001286402.1, NM_001379332.1); c.999C>T, p.Ile333= (NM_001286403.2); c.2607C>T, p.Ile869= (NM_001379330.1); c.2604C>T, p.Ile868= (NM_001379331.1); c.2751C>T, p.Ile917= (NM_001379333.1); c.2682C>T, p.Ile894= (NM_001379334.1); c.2751C>T (NM_000246.3).
Identifiers: ClinVar variation 1121057 (VCV001121057.12), dbSNP rs771046803, ClinGen allele CA7900483.